The following is an entry in ClinVar:

ClinVar aggregate classification (germline): Likely benign. Review status: criteria provided, multiple submitters, no conflicts (2 of 4 stars). 2 submissions from 2 submitters: Likely benign (2). Last evaluated 2024-04-29.

Conditions:
Intellectual developmental disorder, autosomal dominant 6, with or without seizures. Also called: Intellectual disability, autosomal dominant 6; GRIN2B-related developmental delay, intellectual disability and autism spectrum disorder. Identifiers: Orphanet 589547, MedGen C3151411, MONDO:0013509, OMIM 613970.
Developmental and epileptic encephalopathy, 27 (DEE27). Also called: GRIN2B-Related Neurodevelopmental Disorder; Epileptic encephalopathy, early infantile, 27. Identifiers: Orphanet 3451, MedGen C4015316, MONDO:0014505, OMIM 616139.

Allele frequency attached by ClinVar (database versions not stated): TOPMed 0.00001; gnomAD 0.00001; ExAC 0.00001.
gnomAD v4.1: 15 of 1,613,754 alleles (0.00093%); highest among the groups gnomAD compares: Middle Eastern, 0.033%; no homozygotes.

Submissions (2):

Labcorp Genetics (formerly Invitae), Labcorp
Classification: Likely benign for Developmental and epileptic encephalopathy, 27; Intellectual developmental disorder, autosomal dominant 6, with or without seizures. Last evaluated: 2024-04-29. Review status: criteria provided, single submitter. Criteria: Invitae Variant Classification Sherloc (09022015). Collection method: clinical testing. Allele origin: germline.

GeneDx
Classification: Likely benign. Last evaluated: 2019-10-14. Review status: criteria provided, single submitter. Criteria: GeneDx Variant Classification Process June 2021. Collection method: clinical testing. Allele origin: germline. Affected: yes.
Comment: Not observed at a significant frequency in large population cohorts (Lek et al., 2016)

NM_000834.5(GRIN2B):c.2637G>A (p.Glu879=)

Gene: GRIN2B (glutamate ionotropic receptor NMDA type subunit 2B; minus strand). Cytogenetic location: 12p13.1.
Variant type: single nucleotide variant.
Coding change: c.2637G>A on transcript NM_000834.5 (MANE Select); coding-DNA position 2637, G replaced by A.
Protein change: p.Glu879=; no amino-acid change (glutamic acid 879 retained).
Molecular consequence: synonymous variant.
Genome position (GRCh38, 1-based): chr12:13,564,601, C>T on the plus strand (G>A on the coding strand, the complement: GRIN2B is on the minus strand). VCF-style: chr12-13564601-C-T. GRCh37 (hg19) VCF-style: chr12-13717535-C-T.
Identifiers: ClinVar variation 1294235 (VCV001294235.6), dbSNP rs200754384, ClinGen allele CA6461010.